The following is an entry in ClinVar:

ClinVar aggregate classification (germline): Uncertain significance (1 of 4 stars; one submission).

gnomAD v4.1: 11 of 1,612,336 alleles (0.00068%); highest among the groups gnomAD compares: Admixed American, 0.0017%; no homozygotes.

Submission:

CeGaT Center for Human Genetics Tuebingen
Classification: Uncertain significance. Last evaluated: 2025-11-01. Review status: criteria provided, single submitter. Criteria: CeGaT Center For Human Genetics Tuebingen Variant Classification Criteria Version 2. Collection method: clinical testing. Allele origin: germline. Affected: yes. Observed: 1 variant allele.
Comment: GP9: PM2

NM_000174.5(GP9):c.119G>A (p.Gly40Asp)

Gene: GP9 (glycoprotein IX platelet; plus strand). Cytogenetic location: 3q21.3.
Variant type: single nucleotide variant.
Coding change: c.119G>A on transcript NM_000174.5 (MANE Select); coding-DNA position 119, G replaced by A.
Protein change: p.Gly40Asp; replaces glycine 40 with aspartic acid.
Molecular consequence: missense variant.
Genome position (GRCh38, 1-based): chr3:129,061,858, G>A. VCF-style: chr3-129061858-G-A. GRCh37 (hg19) VCF-style: chr3-128780701-G-A.
Other names: short protein forms G40D.
Identifiers: ClinVar variation 4534758 (VCV004534758.6).